The following is an entry in ClinVar:

ClinVar aggregate classification (germline): Uncertain significance (1 of 4 stars; one submission).

Conditions:
Inborn genetic diseases. Identifiers: MedGen C0950123, MeSH D030342.

Allele frequency attached by ClinVar (database versions not stated): gnomAD exomes below 0.00001; TOPMed 0.00002; ExAC 0.00004.
gnomAD v4.1: 3 of 1,613,828 alleles (0.00019%); highest among the groups gnomAD compares: East Asian, 0.0045%; no homozygotes.

Submission:

Ambry Genetics
Classification: Uncertain significance for Inborn genetic diseases. Last evaluated: 2024-06-09. Review status: criteria provided, single submitter. Criteria: Ambry Variant Classification Scheme 2023. Collection method: clinical testing. Allele origin: germline.
Comment: The p.E419G variant (also known as c.1256A>G), located in coding exon 13 of the ERCC2 gene, results from an A to G substitution at nucleotide position 1256. The glutamic acid at codon 419 is replaced by glycine, an amino acid with similar properties. This amino acid position is conserved. In addition, this alteration is predicted to be deleterious by in silico analysis. Since supporting evidence is limited at this time, the clinical significance of this alteration remains unclear.

NM_000400.4(ERCC2):c.1256A>G (p.Glu419Gly)

Gene: ERCC2 (ERCC excision repair 2, TFIIH core complex helicase subunit; minus strand). Cytogenetic location: 19q13.32.
Variant type: single nucleotide variant.
Coding change: c.1256A>G on transcript NM_000400.4 (MANE Select); coding-DNA position 1256, A replaced by G.
Protein change: p.Glu419Gly; replaces glutamic acid 419 with glycine.
Molecular consequence: missense variant.
Genome position (GRCh38, 1-based): chr19:45,357,681, T>C on the plus strand (A>G on the coding strand, the complement: ERCC2 is on the minus strand). VCF-style: chr19-45357681-T-C. GRCh37 (hg19) VCF-style: chr19-45860939-T-C.
Other names: short protein forms E419G.
Identifiers: ClinVar variation 1761841 (VCV001761841.3), dbSNP rs775219805, ClinGen allele CA9513394.